The following is an entry in ClinVar:

ClinVar aggregate classification (germline): Uncertain significance (1 of 4 stars; one submission).

Conditions:
Inborn genetic diseases. Identifiers: MedGen C0950123, MeSH D030342.

gnomAD v4.1: 10 of 1,613,804 alleles (0.00062%); highest among the groups gnomAD compares: Non-Finnish European, 0.00085%; no homozygotes.

Submission:

Ambry Genetics
Classification: Uncertain significance for Inborn genetic diseases. Last evaluated: 2025-06-06. Review status: criteria provided, single submitter. Criteria: Ambry Variant Classification Scheme 2023. Collection method: clinical testing. Allele origin: germline.
Comment: The p.Q57H variant (also known as c.171G>T), located in coding exon 3 of the ETV6 gene, results from a G to T substitution at nucleotide position 171. The glutamine at codon 57 is replaced by histidine, an amino acid with highly similar properties. This amino acid position is conserved. In addition, the in silico prediction for this alteration is inconclusive. Based on the available evidence, the clinical significance of this variant remains unclear.

NM_001987.5(ETV6):c.171G>T (p.Gln57His)

Genes: ETV6 (ETS variant transcription factor 6; plus strand), LOC126861451 (BRD4-independent group 4 enhancer GRCh37_chr12:11991350-11992549; plus strand). Cytogenetic location: 12p13.2.
Variant type: single nucleotide variant.
Coding change: c.171G>T on transcript NM_001987.5 (MANE Select); coding-DNA position 171, G replaced by T.
Protein change: p.Gln57His; replaces glutamine 57 with histidine.
Molecular consequence: missense variant. On other transcripts: 5 prime UTR variant (1).
Genome position (GRCh38, 1-based): chr12:11,839,147, G>T. VCF-style: chr12-11839147-G-T. GRCh37 (hg19) VCF-style: chr12-11992081-G-T.
Other names: c.168G>T, p.Gln56His (NM_001413913.1); c.144G>T, p.Gln48His (NM_001413914.1); c.-94G>T (NM_001413915.1); c.171G>T, p.Gln57His (NM_001413916.1, NM_001413917.1, NM_001413918.1); short protein forms Q57H, Q56H, Q48H.
Identifiers: ClinVar variation 4020125 (VCV004020125.1).